The following is an entry in ClinVar:

ClinVar aggregate classification (germline): Uncertain significance (1 of 4 stars; one submission).

Conditions:
POLD1-related polyposis and colorectal cancer syndrome (CRCS10). Also called: COLORECTAL CANCER, SUSCEPTIBILITY TO, ON CHROMOSOME 19q; Colorectal cancer 10; Colorectal cancer, susceptibility to, 10. Identifiers: Orphanet 220460, MedGen C2675481, MONDO:0012953, OMIM 612591.

gnomAD v4.1: 2 of 1,608,916 alleles (0.00012%); highest among the groups gnomAD compares: Non-Finnish European, 0.00017%; no homozygotes.

Submission:

Labcorp Genetics (formerly Invitae), Labcorp
Classification: Uncertain significance for POLD1-related polyposis and colorectal cancer syndrome. Last evaluated: 2025-10-03. Review status: criteria provided, single submitter. Criteria: Invitae Variant Classification Sherloc (09022015). Collection method: clinical testing. Allele origin: germline.
Comment: This sequence change replaces aspartic acid, which is acidic and polar, with histidine, which is basic and polar, at codon 822 of the POLD1 protein (p.Asp822His). This variant is not present in population databases (gnomAD no frequency). This variant has not been reported in the literature in individuals affected with POLD1-related conditions. Invitae Evidence Modeling of protein sequence and biophysical properties (such as structural, functional, and spatial information, amino acid conservation, physicochemical variation, residue mobility, and thermodynamic stability) indicates that this missense variant is expected to disrupt POLD1 protein function with a positive predictive value of 80%. In summary, the available evidence is currently insufficient to determine the role of this variant in disease. Therefore, it has been classified as a Variant of Uncertain Significance.

NM_002691.4(POLD1):c.2464G>C (p.Asp822His)

Gene: POLD1 (DNA polymerase delta 1, catalytic subunit; plus strand). Cytogenetic location: 19q13.33.
Variant type: single nucleotide variant.
Coding change: c.2464G>C on transcript NM_002691.4 (MANE Select); coding-DNA position 2464, G replaced by C.
Protein change: p.Asp822His; replaces aspartic acid 822 with histidine.
Molecular consequence: missense variant. On other transcripts: non-coding transcript variant (1).
Genome position (GRCh38, 1-based): chr19:50,414,890, G>C. VCF-style: chr19-50414890-G-C. GRCh37 (hg19) VCF-style: chr19-50918147-G-C.
Other names: c.2464G>C, p.Asp822His (NM_001256849.1, NM_001438212.1, NM_001438213.1); c.2542G>C, p.Asp848His (NM_001308632.1); c.2392G>C, p.Asp798His (NM_001438210.1, NM_001438211.1); short protein forms D822H, D798H, D848H.
Identifiers: ClinVar variation 4721277 (VCV004721277.1).